The following is an entry in ClinVar:

NC_000009.11:g.(2161904_2170418)_(2193621_?)del

Gene: SMARCA2 (SWI/SNF related BAF chromatin remodeling complex subunit ATPase 2; plus strand). Cytogenetic location: 9p24.3.
Variant type: Deletion.
Identifiers: ClinVar variation 3769204 (VCV003769204.2).

ClinVar aggregate classification (germline): Uncertain significance (1 of 4 stars; one submission).

Submission:

Women's Health and Genetics/Laboratory Corporation of America, LabCorp
Classification: Uncertain significance. Last evaluated: 2025-01-07. Review status: criteria provided, single submitter. Criteria: LabCorp Variant Classification Summary - May 2015. Collection method: clinical testing. Allele origin: germline.
Comment: Variant summary: The variant involves the deletion of exons 29-34 in the SMARCA2 gene. The exact breakpoint at the distal 3' end of this variant is unknown, therefore this deletion may extend downstream of the annotated region of the gene. As it encompasses the termination codon, it is predicted to escape nonsense mediated decay (NMD). A presumed nomenclature of c.(4199+1_4200-1)_(*882_?)del has been designated for the purposes of this classification. The variant was absent in 21694 control chromosomes. The available data on variant occurrences in the general population are insufficient to allow any conclusion about variant significance. To our knowledge, no occurrence of c.(4199+1_4200-1)_(*882_?)del in individuals affected with SMARCA2-Related Disorders and no experimental evidence demonstrating its impact on protein function have been reported. No submitters have cited clinical-significance assessments for this variant to ClinVar. However, an inframe deletion of exon 29 (Variation ID: 2424620) and a deletion including the termination codon exons 30-34 (Variation ID: 2424621) have been classified as VUS in ClinVar. Based on the evidence outlined above, the variant was classified as uncertain significance.